The following is an entry in ClinVar:

ClinVar aggregate classification (germline): Likely benign. Review status: criteria provided, multiple submitters, no conflicts (2 of 4 stars). 5 submissions from 5 submitters: Likely benign (5). Last evaluated 2025-12-02.

Conditions:
Marfan syndrome (MFS). Also called: MARFAN SYNDROME, TYPE I; Marfan syndrome type 1; Marfan's syndrome; Marfan syndrome, classic; FBN1-Related Marfan Syndrome. Identifiers: Orphanet 284963, Orphanet 558, MedGen C0024796, MONDO:0007947, OMIM 154700.
Familial thoracic aortic aneurysm and aortic dissection (TAAD). Also called: Thoracic aortic aneurysms and dissections. Identifiers: Orphanet 91387, MedGen C4707243, MONDO:0019625.

Allele frequency attached by ClinVar (database versions not stated): gnomAD below 0.00001 and 0.00001; gnomAD exomes below 0.00001 and 0.00001.
gnomAD v4.1: 4 of 1,613,356 alleles (0.00025%); highest among the groups gnomAD compares: East Asian, 0.0022%; no homozygotes.

Submissions (5):

Labcorp Genetics (formerly Invitae), Labcorp
Classification: Likely benign for Marfan syndrome; Familial thoracic aortic aneurysm and aortic dissection. Last evaluated: 2025-12-02. Review status: criteria provided, single submitter. Criteria: Invitae Variant Classification Sherloc (09022015). Collection method: clinical testing. Allele origin: germline.

All of Us Research Program, National Institutes of Health
Classification: Likely benign for Marfan syndrome. Last evaluated: 2023-12-13. Review status: criteria provided, single submitter. Criteria: ACMG Guidelines, 2015. Collection method: clinical testing. Allele origin: germline. Inheritance: Autosomal dominant inheritance. Observed: 1 variant allele, 1 heterozygote.
Comment: This study involves interpretation of variants in research participants for the purpose of population health screening. Participant phenotype was not available at the time of variant classification. Additional details can be found in publication PMID: 35346344, PMCID: PMC8962531

Ambry Genetics
Classification: Likely benign for Familial thoracic aortic aneurysm and aortic dissection. Last evaluated: 2023-03-12. Review status: criteria provided, single submitter. Criteria: Ambry Variant Classification Scheme 2023. Collection method: clinical testing. Allele origin: germline.

Color Diagnostics, LLC DBA Color Health
Classification: Likely benign for Familial thoracic aortic aneurysm and aortic dissection. Last evaluated: 2021-02-01. Review status: criteria provided, single submitter. Criteria: ACMG Guidelines, 2015. Collection method: clinical testing. Allele origin: germline.

CeGaT Center for Human Genetics Tuebingen
Classification: Likely benign. Last evaluated: 2020-12-01. Review status: criteria provided, single submitter. Criteria: CeGaT Center For Human Genetics Tuebingen Variant Classification Criteria Version 2. Collection method: clinical testing. Allele origin: germline. Affected: yes. Observed: 1 variant allele.

NM_000138.5(FBN1):c.1311A>G (p.Pro437=)

Gene: FBN1 (fibrillin 1; minus strand). Cytogenetic location: 15q21.1.
Variant type: single nucleotide variant.
Coding change: c.1311A>G on transcript NM_000138.5 (MANE Select); coding-DNA position 1311, A replaced by G.
Protein change: p.Pro437=; no amino-acid change (proline 437 retained).
Molecular consequence: synonymous variant.
Genome position (GRCh38, 1-based): chr15:48,516,199, T>C on the plus strand (A>G on the coding strand, the complement: FBN1 is on the minus strand). VCF-style: chr15-48516199-T-C. GRCh37 (hg19) VCF-style: chr15-48808396-T-C.
Identifiers: ClinVar variation 1013374 (VCV001013374.50), dbSNP rs1253494702, ClinGen allele CA490028333.
Genomic context (GRCh38, chr15:48,516,199, plus strand): 5'-TGAACAATGCAAGAAAAATAACTAGATGATTTTTGAATTCTTACTTGGTGGCTCCCGAGA[T>C]GGATACAGATATTCCACTGGTGGTCGAGGGACCGGAATTTGAGGTCCAGGAGGAAAGCCA-3'
Protein context (NP_000129.3, residues 427-447): VPRPPVEYLY[Pro437=]SREPPRVLPV